The following is an entry in ClinVar:

NM_000308.4(CTSA):c.15_19dup (p.Pro7fs)

Gene: CTSA (cathepsin A; plus strand). Cytogenetic location: 20q13.12.
Variant type: Microsatellite.
Coding change: c.15_19dup on transcript NM_000308.4 (MANE Select); coding-DNA positions 15 to 19, 5 bases duplicated (GCCGC; older notation c.15_19dupGCCGC).
Protein change: p.Pro7fs; shifts the reading frame from proline 7.
Molecular consequence: frameshift variant. On other transcripts: non-coding transcript variant (1).
Genome position (GRCh38, 1-based): chr20:45,891,583-45,891,587, GCCGC duplicated; duplicating any 5 consecutive bases within chr20:45,891,578-45,891,587 gives the same sequence; the c. name uses the placement nearest the transcript's 3' end. VCF-style (leftmost placement, unchanged base first): chr20-45891577-A-AGCCGC. GRCh37 (hg19) VCF-style: chr20-44520216-A-AGCCGC.
Other names: c.15_19dup, p.Pro7fs (NM_001127695.3, NM_001167594.3); short protein forms P7fs.
Identifiers: ClinVar variation 2748967 (VCV002748967.3), dbSNP rs2515431543, ClinGen allele CA2697547401.
Genomic context (GRCh38, chr20:45,891,577, plus strand): 5'-TGCACGGAAGCGCTGAGGAGCGAGTCAACAGCCCCTCTGCTGCCTCCCGTAGATGATCCG[A>AGCCGC]GCCGCGCCGCCGCCGCTGTTCCTGCTGCTGCTGCTGCTGCTGCTGCTAGTGTCCTGGGCG-3'

ClinVar aggregate classification (germline): Pathogenic (1 of 4 stars; one submission).

Conditions:
Combined deficiency of sialidase AND beta galactosidase (GSL). Also called: CATHEPSIN A DEFICIENCY; GOLDBERG SYNDROME; NEURAMINIDASE DEFICIENCY WITH BETA-GALACTOSIDASE DEFICIENCY; NEURAMINIDASE/BETA-GALACTOSIDASE EXPRESSION; PPCA DEFICIENCY; PROTECTIVE PROTEIN/CATHEPSIN A DEFICIENCY. Identifiers: Orphanet 351, MedGen C0268233, MONDO:0009737, OMIM 256540.

Submission:

Labcorp Genetics (formerly Invitae), Labcorp
Classification: Pathogenic for Combined deficiency of sialidase AND beta galactosidase. Last evaluated: 2023-08-01. Review status: criteria provided, single submitter. Criteria: Invitae Variant Classification Sherloc (09022015). Collection method: clinical testing. Allele origin: germline.
Comment: For these reasons, this variant has been classified as Pathogenic. This variant has not been reported in the literature in individuals affected with CTSA-related conditions. This variant is not present in population databases (gnomAD no frequency). This sequence change creates a premature translational stop signal (p.Pro25Argfs*15) in the CTSA gene. It is expected to result in an absent or disrupted protein product. Loss-of-function variants in CTSA are known to be pathogenic (PMID: 15110321, 23915561).

Literature cited by the submitters: PubMed 15110321; PubMed 23915561.